The following is an entry in ClinVar:

NM_024529.5(CDC73):c.179T>C (p.Ile60Thr)

Gene: CDC73 (cell division cycle 73; plus strand). Cytogenetic location: 1q31.2.
Variant type: single nucleotide variant.
Coding change: c.179T>C on transcript NM_024529.5 (MANE Select); coding-DNA position 179, T replaced by C.
Protein change: p.Ile60Thr; replaces isoleucine 60 with threonine.
Molecular consequence: missense variant.
Genome position (GRCh38, 1-based): chr1:193,125,159, T>C. VCF-style: chr1-193125159-T-C. GRCh37 (hg19) VCF-style: chr1-193094289-T-C.
Other names: short protein forms I60T.
Identifiers: ClinVar variation 5033837 (VCV005033837.1).

ClinVar aggregate classification (germline): Uncertain significance (1 of 4 stars; one submission).

Conditions:
Hereditary cancer-predisposing syndrome. Also called: Neoplastic Syndromes, Hereditary; Tumor predisposition; Hereditary neoplastic syndrome; Hereditary Cancer Syndrome. Identifiers: Orphanet 140162, MedGen C0027672, MeSH D009386, MONDO:0015356.

Submission:

Ambry Genetics
Classification: Uncertain significance for Hereditary cancer-predisposing syndrome. Last evaluated: 2026-07-13. Review status: criteria provided, single submitter. Criteria: Ambry Variant Classification Scheme 2023. Collection method: clinical testing. Allele origin: germline.
Comment: The p.I60T variant (also known as c.179T>C), located in coding exon 2 of the CDC73 gene, results from a T to C substitution at nucleotide position 179. The isoleucine at codon 60 is replaced by threonine, an amino acid with similar properties. This amino acid position is conserved. In addition, this alteration is predicted to be deleterious by in silico analysis. Based on the available evidence, the clinical significance of this variant remains unclear.